The following is an entry in ClinVar:

ClinVar aggregate classification (germline): Uncertain significance (1 of 4 stars; one submission).

Allele frequency attached by ClinVar (database versions not stated): TOPMed below 0.00001; ExAC 0.00001; gnomAD 0.00001; gnomAD exomes 0.00001.
gnomAD v4.1: 11 of 1,611,766 alleles (0.00068%); highest among the groups gnomAD compares: Middle Eastern, 0.016%; no homozygotes.

Submission:

Labcorp Genetics (formerly Invitae), Labcorp
Classification: Uncertain significance. Last evaluated: 2022-07-07. Review status: criteria provided, single submitter. Criteria: Invitae Variant Classification Sherloc (09022015). Collection method: clinical testing. Allele origin: germline.
Comment: This sequence change replaces alanine, which is neutral and non-polar, with valine, which is neutral and non-polar, at codon 2343 of the FAT4 protein (p.Ala2343Val). This variant is present in population databases (rs773830558, gnomAD 0.0009%). This variant has not been reported in the literature in individuals affected with FAT4-related conditions. Advanced modeling of protein sequence and biophysical properties (such as structural, functional, and spatial information, amino acid conservation, physicochemical variation, residue mobility, and thermodynamic stability) performed at Invitae indicates that this missense variant is not expected to disrupt FAT4 protein function. In summary, the available evidence is currently insufficient to determine the role of this variant in disease. Therefore, it has been classified as a Variant of Uncertain Significance.

NM_001291303.3(FAT4):c.7028C>T (p.Ala2343Val)

Gene: FAT4 (FAT atypical cadherin 4; plus strand). Cytogenetic location: 4q28.1.
Variant type: single nucleotide variant.
Coding change: c.7028C>T on transcript NM_001291303.3 (MANE Select); coding-DNA position 7028, C replaced by T.
Protein change: p.Ala2343Val; replaces alanine 2343 with valine.
Molecular consequence: missense variant.
Genome position (GRCh38, 1-based): chr4:125,434,254, C>T. VCF-style: chr4-125434254-C-T. GRCh37 (hg19) VCF-style: chr4-126355409-C-T.
Other names: c.7028C>T, p.Ala2343Val (NM_001291285.3, NM_024582.6); short protein forms A2343V.
Identifiers: ClinVar variation 1954293 (VCV001954293.4), dbSNP rs773830558, ClinGen allele CA3073079.